The following is an entry in ClinVar:

NM_000326.5(RLBP1):c.*167T>G

Gene: RLBP1 (retinaldehyde binding protein 1; minus strand). Cytogenetic location: 15q26.1.
Variant type: single nucleotide variant.
Coding change: c.*167T>G on transcript NM_000326.5 (MANE Select); 167 bases downstream of the stop codon, T replaced by G.
Molecular consequence: 3 prime UTR variant.
Genome position (GRCh38, 1-based): chr15:89,210,118, A>C on the plus strand (T>G on the coding strand, the complement: RLBP1 is on the minus strand). VCF-style: chr15-89210118-A-C. GRCh37 (hg19) VCF-style: chr15-89753349-A-C.
Identifiers: ClinVar variation 317230 (VCV000317230.7), dbSNP rs834, ClinGen allele CA10646667.

ClinVar aggregate classification (germline): Benign. Review status: criteria provided, multiple submitters, no conflicts (2 of 4 stars). 5 submissions from 3 submitters: Benign (5). Last evaluated 2021-05-14.

Conditions:
Newfoundland cone-rod dystrophy. Identifiers: MedGen C1843815, MONDO:0011839, OMIM 607476.
Retinitis pigmentosa (RP). Identifiers: Orphanet 791, MedGen C0035334, MeSH D012174, MONDO:0019200, OMIM 268000. Inheritance: Autosomal dominant, autosomal recessive and X linked inheritance.
Pigmentary retinal dystrophy. Also called: Fundus albipunctatus. Identifiers: Orphanet 227796, Orphanet 52427, MedGen C0311338, MONDO:0007639, OMIM 136880, HP:0030642.

Allele frequency attached by ClinVar (database versions not stated): gnomAD exomes 0.87769; gnomAD 0.89441 and 0.89555; TOPMed 0.90955; 1000 Genomes Project 0.91593; 1000 Genomes Project 30x 0.91740.

Submissions (5):

GeneDx
Classification: Benign. Last evaluated: 2021-05-14. Review status: criteria provided, single submitter. Criteria: GeneDx Variant Classification Process June 2021. Collection method: clinical testing. Allele origin: germline. Affected: yes.

Illumina Laboratory Services, Illumina
Classification: Benign for Retinitis pigmentosa. Last evaluated: 2018-01-12. Review status: criteria provided, single submitter. Criteria: ICSL Variant Classification Criteria 13 December 2019. Collection method: clinical testing. Allele origin: germline.
Comment: This variant was observed in the ICSL laboratory as part of a predisposition screen in an ostensibly healthy population. It had not been previously curated by ICSL or reported in the Human Gene Mutation Database (HGMD: prior to June 1st, 2018), and was therefore a candidate for classification through an automated scoring system. Utilizing variant allele frequency, disease prevalence and penetrance estimates, and inheritance mode, an automated score was calculated to assess if this variant is too frequent to cause the disease. Based on the score and internal cut-off values, a variant classified as benign is not then subjected to further curation. The score for this variant resulted in a classification of benign for this disease.

Illumina Laboratory Services, Illumina
Classification: Benign for Pigmentary retinal dystrophy. Last evaluated: 2018-01-12. Review status: criteria provided, single submitter. Criteria: ICSL Variant Classification Criteria 13 December 2019. Collection method: clinical testing. Allele origin: germline.
Comment: the same text as in the submission from Illumina Laboratory Services, Illumina above.

Illumina Laboratory Services, Illumina
Classification: Benign for Newfoundland cone-rod dystrophy. Last evaluated: 2018-01-12. Review status: criteria provided, single submitter. Criteria: ICSL Variant Classification Criteria 13 December 2019. Collection method: clinical testing. Allele origin: germline.
Comment: the same text as in the submission from Illumina Laboratory Services, Illumina above.

Breakthrough Genomics
Classification: Benign. Review status: criteria provided, single submitter. Criteria: ACMG Guidelines, 2015. Collection method: not provided. Allele origin: germline. Inheritance: Autosomal recessive inheritance. Affected: yes.